The following is an entry in ClinVar:

ClinVar aggregate classification (germline): Uncertain significance (1 of 4 stars; one submission).

Conditions:
Neuropathy, hereditary sensory and autonomic, type 1C. Also called: HSAN IC; HSN IC. Identifiers: Orphanet 36386, MedGen C3150896, MONDO:0013337, OMIM 613640.

Submission:

Labcorp Genetics (formerly Invitae), Labcorp
Classification: Uncertain significance for Neuropathy, hereditary sensory and autonomic, type 1C. Last evaluated: 2022-01-25. Review status: criteria provided, single submitter. Criteria: Invitae Variant Classification Sherloc (09022015). Collection method: clinical testing. Allele origin: germline.
Comment: This sequence change replaces arginine, which is basic and polar, with serine, which is neutral and polar, at codon 31 of the SPTLC2 protein (p.Arg31Ser). This variant is not present in population databases (gnomAD no frequency). This variant has not been reported in the literature in individuals affected with SPTLC2-related conditions. Algorithms developed to predict the effect of missense changes on protein structure and function (SIFT, PolyPhen-2, Align-GVGD) all suggest that this variant is likely to be tolerated. In summary, the available evidence is currently insufficient to determine the role of this variant in disease. Therefore, it has been classified as a Variant of Uncertain Significance.

NM_004863.4(SPTLC2):c.93G>C (p.Arg31Ser)

Gene: SPTLC2 (serine palmitoyltransferase long chain base subunit 2; minus strand). Cytogenetic location: 14q24.3.
Variant type: single nucleotide variant.
Coding change: c.93G>C on transcript NM_004863.4 (MANE Select); coding-DNA position 93, G replaced by C.
Protein change: p.Arg31Ser; replaces arginine 31 with serine.
Molecular consequence: missense variant.
Genome position (GRCh38, 1-based): chr14:77,616,487, C>G on the plus strand (G>C on the coding strand, the complement: SPTLC2 is on the minus strand). VCF-style: chr14-77616487-C-G. GRCh37 (hg19) VCF-style: chr14-78082830-C-G.
Other names: short protein forms R31S.
Identifiers: ClinVar variation 2046133 (VCV002046133.4), dbSNP rs2503570345, ClinGen allele CA390712235.
Genomic context (GRCh38, chr14:77,616,487, plus strand): 5'-CGCCGCGCGGGCCCCTCGTACCTGGCCGGCGGCGGCTGCGGCTGCGGCTGCAGCGCTGCT[C>G]CTCACGTACCCGTTCCGTACTTCCCCGTTCGCCACGCAGCCATTCGCCCGCACCGTGCGG-3'
Protein context (NP_004854.1, residues 21-41): ANGEVRNGYV[Arg31Ser]SSAAAAAAAA